The following is an entry in ClinVar:

NM_001379500.1(COL18A1):c.3005A>G (p.His1002Arg)

Genes: COL18A1 (collagen type XVIII alpha 1 chain; plus strand), SLC19A1 (solute carrier family 19 member 1; minus strand). Cytogenetic location: 21q22.3.
Variant type: single nucleotide variant.
Coding change: c.3005A>G on transcript NM_001379500.1 (MANE Select); coding-DNA position 3005, A replaced by G.
Protein change: p.His1002Arg; replaces histidine 1002 with arginine.
Molecular consequence: missense variant.
Genome position (GRCh38, 1-based): chr21:45,505,270, A>G. VCF-style: chr21-45505270-A-G. GRCh37 (hg19) VCF-style: chr21-46925184-A-G.
Other names: c.3536A>G, p.His1179Arg (NM_030582.4); c.4241A>G, p.His1414Arg (NM_130444.3); short protein forms H1179R, H1002R, H1414R.
Identifiers: ClinVar variation 1506509 (VCV001506509.5), dbSNP rs2146081921, ClinGen allele CA410499634.

ClinVar aggregate classification (germline): Uncertain significance (1 of 4 stars; one submission).

Submission:

Labcorp Genetics (formerly Invitae), Labcorp
Classification: Uncertain significance. Last evaluated: 2024-01-22. Review status: criteria provided, single submitter. Criteria: Invitae Variant Classification Sherloc (09022015). Collection method: clinical testing. Allele origin: germline.
Comment: This sequence change replaces histidine with arginine at codon 999 of the COL18A1 protein (p.His999Arg). There is a small physicochemical difference between histidine and arginine. This variant is not present in population databases (gnomAD no frequency). This variant has not been reported in the literature in individuals affected with COL18A1-related conditions. ClinVar contains an entry for this variant (Variation ID: 1506509). Experimental studies and prediction algorithms are not available or were not evaluated, and the functional significance of this variant is currently unknown. In summary, the available evidence is currently insufficient to determine the role of this variant in disease. Therefore, it has been classified as a Variant of Uncertain Significance.